The following is an entry in ClinVar:

NM_000264.5(PTCH1):c.2197_2198del (p.Ser733fs)

Genes: PTCH1 (patched 1; minus strand), LOC100507346 (uncharacterized LOC100507346; plus strand). Cytogenetic location: 9q22.32.
Variant type: Microsatellite.
Coding change: c.2197_2198del on transcript NM_000264.5 (MANE Select); coding-DNA positions 2197 to 2198, 2 bases deleted (TC; older notation c.2197_2198delTC).
Protein change: p.Ser733fs; shifts the reading frame from serine 733.
Molecular consequence: frameshift variant. On other transcripts: non-coding transcript variant (2).
Genome position (GRCh38, 1-based): chr9:95,468,803-95,468,804, GA deleted on the plus strand (TC on the coding strand, the reverse complement: PTCH1 is on the minus strand); deleting any 2 consecutive bases within chr9:95,468,803-95,468,807 gives the same sequence; the c. name uses the placement nearest the transcript's 3' end. VCF-style (leftmost placement, unchanged base first): chr9-95468802-TGA-T. GRCh37 (hg19) VCF-style: chr9-98231084-TGA-T.
Other names: c.2197_2198del (NM_000264.3); c.1999_2000del, p.Ser667fs (NM_001083602.3); c.2194_2195del, p.Ser732fs (NM_001083603.3); c.1744_1745del, p.Ser582fs (NM_001083604.3, NM_001083605.3, NM_001083606.3 and 1 more transcripts); c.2041_2042del, p.Ser681fs (NM_001354918.2); short protein forms S667fs, S582fs, S681fs, S732fs, S733fs.
Identifiers: ClinVar variation 409193 (VCV000409193.15), dbSNP rs1060502292, ClinGen allele CA16612846.

ClinVar aggregate classification (germline): Pathogenic. Review status: criteria provided, multiple submitters, no conflicts (2 of 4 stars). 2 submissions from 2 submitters: Pathogenic (2). Last evaluated 2025-09-12.

Conditions:
Gorlin syndrome. Also called: Nevoid Basal Cell Carcinoma Syndrome; Basal cell nevus syndrome. Identifiers: Orphanet 377, MedGen C0004779, MONDO:0007187.
Hereditary cancer-predisposing syndrome. Also called: Hereditary neoplastic syndrome; Neoplastic Syndromes, Hereditary; Tumor predisposition; Hereditary Cancer Syndrome. Identifiers: Orphanet 140162, MedGen C0027672, MeSH D009386, MONDO:0015356.

Submissions (2):

Labcorp Genetics (formerly Invitae), Labcorp
Classification: Pathogenic for Gorlin syndrome. Last evaluated: 2025-09-12. Review status: criteria provided, single submitter. Criteria: Invitae Variant Classification Sherloc (09022015). Collection method: clinical testing. Allele origin: germline.
Comment: This sequence change creates a premature translational stop signal (p.Ser733Ilefs*4) in the PTCH1 gene. It is expected to result in an absent or disrupted protein product. Loss-of-function variants in PTCH1 are known to be pathogenic (PMID: 16301862, 16419085). This variant is not present in population databases (gnomAD no frequency). This premature translational stop signal has been observed in individual(s) with nevoid basal cell carcinoma syndrome (NBCCS) (PMID: 8981943, 16301862, 16419085). This variant is also known as 2183delTC. ClinVar contains an entry for this variant (Variation ID: 409193). For these reasons, this variant has been classified as Pathogenic.

Ambry Genetics
Classification: Pathogenic for Hereditary cancer-predisposing syndrome. Last evaluated: 2025-05-21. Review status: criteria provided, single submitter. Criteria: Ambry Variant Classification Scheme 2023. Collection method: clinical testing. Allele origin: germline.
Comment: The c.2197_2198delTC pathogenic mutation, located in coding exon 14 of the PTCH1 gene, results from a deletion of two nucleotides at nucleotide positions 2197 to 2198, causing a translational frameshift with a predicted alternate stop codon (p.S733Ifs*4). This variant was reported in individual(s) with features consistent with PTCH1-related nevoid basal cell carcinoma syndrome (Wicking, C et al. Am J Hum Genet. 1997 Jan;60(1):21-6). Of note, this mutation is called 2183delTC in this publication. This variant is considered to be rare based on population cohorts in the Genome Aggregation Database (gnomAD). This alteration is expected to result in loss of function by premature protein truncation or nonsense-mediated mRNA decay. As such, this alteration is interpreted as a disease-causing mutation.

Literature cited by the submitters: PubMed 16301862 (cited by Labcorp Genetics (formerly Invitae), Labcorp); PubMed 16419085 (cited by Labcorp Genetics (formerly Invitae), Labcorp); PubMed 8981943 (cited by Labcorp Genetics (formerly Invitae), Labcorp).